The following is an entry in ClinVar:

ClinVar aggregate classification (germline): Conflicting classifications of pathogenicity. Review status: criteria provided, conflicting classifications (1 of 4 stars). 3 submissions from 3 submitters: Uncertain significance (1); Likely benign (2). Last evaluated 2025-12-09.

Conditions:
Charcot-Marie-Tooth disease type 4B3. Also called: CHARCOT-MARIE-TOOTH DISEASE, DEMYELINATING, TYPE 4B3; Charcot-Marie-Tooth Neuropathy Type 4B3. Identifiers: Orphanet 363981, MedGen C3695063, MONDO:0014117, OMIM 615284.

Allele frequency attached by ClinVar (database versions not stated): ExAC 0.00002; gnomAD exomes 0.00002 and 0.00003; TOPMed 0.00002; gnomAD 0.00003.
gnomAD v4.1: 29 of 1,611,990 alleles (0.0018%); highest among the groups gnomAD compares: Admixed American, 0.0083%; no homozygotes.

Submissions (3):

Labcorp Genetics (formerly Invitae), Labcorp
Classification: Likely benign. Last evaluated: 2025-12-09. Review status: criteria provided, single submitter. Criteria: Invitae Variant Classification Sherloc (09022015). Collection method: clinical testing. Allele origin: germline.

CeGaT Center for Human Genetics Tuebingen
Classification: Likely benign. Last evaluated: 2025-01-01. Review status: criteria provided, single submitter. Criteria: CeGaT Center For Human Genetics Tuebingen Variant Classification Criteria Version 2. Collection method: clinical testing. Allele origin: germline. Affected: yes. Observed: 1 variant allele.
Comment: SBF1: BP4, BP7

Baylor Genetics
Classification: Uncertain significance for Charcot-Marie-Tooth disease type 4B3. Last evaluated: 2018-11-05. Review status: criteria provided, single submitter. Criteria: ACMG Guidelines, 2015. Collection method: clinical testing. Allele origin: unknown. Affected: yes.
Comment: This variant was determined to be of uncertain significance according to ACMG Guidelines, 2015 [PMID:25741868].

NM_002972.4(SBF1):c.2763A>G (p.Ala921=)

Gene: SBF1 (SET binding factor 1; minus strand). Cytogenetic location: 22q13.33.
Variant type: single nucleotide variant.
Coding change: c.2763A>G on transcript NM_002972.4 (MANE Select); coding-DNA position 2763, A replaced by G.
Protein change: p.Ala921=; no amino-acid change (alanine 921 retained).
Molecular consequence: synonymous variant.
Genome position (GRCh38, 1-based): chr22:50,461,599, T>C on the plus strand (A>G on the coding strand, the complement: SBF1 is on the minus strand). VCF-style: chr22-50461599-T-C. GRCh37 (hg19) VCF-style: chr22-50900028-T-C.
Other names: c.2766A>G, p.Ala922= (NM_001365819.1).
Identifiers: ClinVar variation 1033556 (VCV001033556.23), dbSNP rs754332334, ClinGen allele CA10317061.